The following is an entry in ClinVar:

ClinVar aggregate classification (germline): Uncertain significance (1 of 4 stars; one submission).

Submission:

Labcorp Genetics (formerly Invitae), Labcorp
Classification: Uncertain significance. Last evaluated: 2025-07-20. Review status: criteria provided, single submitter. Criteria: Invitae Variant Classification Sherloc (09022015). Collection method: clinical testing. Allele origin: germline.
Comment: This sequence change replaces histidine, which is basic and polar, with glutamine, which is neutral and polar, at codon 147 of the PPOX protein (p.His147Gln). This variant is not present in population databases (gnomAD no frequency). This variant has not been reported in the literature in individuals affected with PPOX-related conditions. ClinVar contains an entry for this variant (Variation ID: 2801097). Invitae Evidence Modeling of protein sequence and biophysical properties (such as structural, functional, and spatial information, amino acid conservation, physicochemical variation, residue mobility, and thermodynamic stability) has been performed for this missense variant. However, the output from this modeling did not meet the statistical confidence thresholds required to predict the impact of this variant on PPOX protein function. In summary, the available evidence is currently insufficient to determine the role of this variant in disease. Therefore, it has been classified as a Variant of Uncertain Significance.

NM_001122764.3(PPOX):c.441C>G (p.His147Gln)

Gene: PPOX (protoporphyrinogen oxidase; plus strand). Cytogenetic location: 1q23.3.
Variant type: single nucleotide variant.
Coding change: c.441C>G on transcript NM_001122764.3 (MANE Select); coding-DNA position 441, C replaced by G.
Protein change: p.His147Gln; replaces histidine 147 with glutamine.
Molecular consequence: missense variant. On other transcripts: 5 prime UTR variant (2), intron variant (2).
Genome position (GRCh38, 1-based): chr1:161,168,097, C>G. VCF-style: chr1-161168097-C-G. GRCh37 (hg19) VCF-style: chr1-161137887-C-G.
Other names: c.441C>G, p.His147Gln (NM_000309.5, NM_001365398.1, NM_001365399.1); c.14C>G, p.Thr5Arg (NM_001350129.2, NM_001365400.1); c.-46C>G (NM_001350130.2, NM_001365401.1); c.354-316C>G (NM_001350128.2); c.-34-316C>G (NM_001350131.2); short protein forms H147Q, T5R.
Identifiers: ClinVar variation 2801097 (VCV002801097.3), dbSNP rs1659772587, ClinGen allele CA343353595.